The following is an entry in ClinVar:

ClinVar aggregate classification (germline): Benign/Likely benign. Review status: criteria provided, multiple submitters, no conflicts (2 of 4 stars). 2 submissions from 2 submitters: Benign (1); Likely benign (1). Last evaluated 2024-05-07.

Conditions:
Familial cancer of breast. Also called: BREAST CANCER, FAMILIAL; Hereditary breast cancer; hereditary breast carcinoma. Identifiers: Orphanet 227535, MedGen C0346153, MONDO:0016419, OMIM 114480. Disease mechanism: loss of function.
Ataxia-telangiectasia syndrome (AT). Also called: Ataxia-telangiectasia, complementation group D; Ataxia-telangiectasia, complementation group E; Cerebello-oculocutaneous telangiectasia; Immunodeficiency with ataxia telangiectasia; Ataxia telangiectasia (A-T); Ataxia-telangiectasia. Identifiers: Orphanet 100, MedGen C0004135, MONDO:0008840, OMIM 208900.

Submissions (2):

Myriad Genetics, Inc.
Classification: Benign for Familial cancer of breast. Last evaluated: 2024-05-07. Review status: criteria provided, single submitter. Criteria: Myriad Autosomal Dominant, Autosomal Recessive and X-Linked Classification Criteria (2023). Collection method: clinical testing. Allele origin: unknown.
Comment: This variant is considered benign. This variant is a silent/synonymous amino acid change and it is not expected to impact splicing.

Labcorp Genetics (formerly Invitae), Labcorp
Classification: Likely benign for Ataxia-telangiectasia syndrome. Last evaluated: 2021-02-04. Review status: criteria provided, single submitter. Criteria: Invitae Variant Classification Sherloc (09022015). Collection method: clinical testing. Allele origin: germline.

NM_000051.4(ATM):c.2220A>T (p.Ala740=)

Gene: ATM (ATM serine/threonine kinase; plus strand). Cytogenetic location: 11q22.3.
Variant type: single nucleotide variant.
Coding change: c.2220A>T on transcript NM_000051.4 (MANE Select); coding-DNA position 2220, A replaced by T.
Protein change: p.Ala740=; no amino-acid change (alanine 740 retained).
Molecular consequence: synonymous variant.
Genome position (GRCh38, 1-based): chr11:108,256,310, A>T. VCF-style: chr11-108256310-A-T. GRCh37 (hg19) VCF-style: chr11-108127037-A-T.
Other names: c.2220A>T, p.Ala740= (NM_001351834.2).
Identifiers: ClinVar variation 1084908 (VCV001084908.10), dbSNP rs56353517, ClinGen allele CA476672538.
Genomic context (GRCh38, chr11:108,256,310, plus strand): 5'-TCTTTTGGTGGGTGTCCTTGGCTGCTACTGTTACATGGGTGTAATAGCTGAAGAGGAAGC[A>T]TATAAGTCAGAATTATTCCAGAAAGCCAAGGTAGGAGAATTTATACTAATAAAGTTTCGG-3'
Protein context (NP_000042.3, residues 730-750): CYMGVIAEEE[Ala740=]YKSELFQKAK